The following is an entry in ClinVar:

ClinVar aggregate classification (germline): Likely pathogenic (1 of 4 stars; one submission).

gnomAD v4.1: 1 of 1,600,502 alleles (0.000062%); highest among the groups gnomAD compares: Non-Finnish European, 0.000086%; no homozygotes.

Submission:

GeneDx
Classification: Likely pathogenic. Last evaluated: 2025-01-09. Review status: criteria provided, single submitter. Criteria: GeneDx Variant Classification Process June 2021. Collection method: clinical testing. Allele origin: germline. Affected: yes.
Comment: Not observed at significant frequency in large population cohorts (gnomAD); In silico analysis supports that this missense variant has a deleterious effect on protein structure/function; Has not been previously published as pathogenic or benign to our knowledge

NM_005445.4(SMC3):c.107C>A (p.Ser36Tyr)

Gene: SMC3 (structural maintenance of chromosomes 3; plus strand). Cytogenetic location: 10q25.2.
Variant type: single nucleotide variant.
Coding change: c.107C>A on transcript NM_005445.4 (MANE Select); coding-DNA position 107, C replaced by A.
Protein change: p.Ser36Tyr; replaces serine 36 with tyrosine.
Molecular consequence: missense variant.
Genome position (GRCh38, 1-based): chr10:110,573,722, C>A. VCF-style: chr10-110573722-C-A. GRCh37 (hg19) VCF-style: chr10-112333480-C-A.
Other names: short protein forms S36Y.
Identifiers: ClinVar variation 3383908 (VCV003383908.2).